The following is an entry in ClinVar:

ClinVar aggregate classification (germline): Uncertain significance (1 of 4 stars; one submission).

Conditions:
Developmental and epileptic encephalopathy, 30 (DEE30). Also called: Epileptic encephalopathy, early infantile, 30. Identifiers: MedGen C4225360, MONDO:0014595, OMIM 616341.

Submission:

Labcorp Genetics (formerly Invitae), Labcorp
Classification: Uncertain significance for Developmental and epileptic encephalopathy, 30. Last evaluated: 2022-06-02. Review status: criteria provided, single submitter. Criteria: Invitae Variant Classification Sherloc (09022015). Collection method: clinical testing. Allele origin: germline.
Comment: ClinVar contains an entry for this variant (Variation ID: 1436393). This variant has not been reported in the literature in individuals affected with SIK1-related conditions. This variant is present in population databases (no rsID available, gnomAD 0.02%). This sequence change replaces cysteine, which is neutral and slightly polar, with arginine, which is basic and polar, at codon 774 of the SIK1 protein (p.Cys774Arg). Advanced modeling of protein sequence and biophysical properties (such as structural, functional, and spatial information, amino acid conservation, physicochemical variation, residue mobility, and thermodynamic stability) performed at Invitae indicates that this missense variant is not expected to disrupt SIK1 protein function. In summary, the available evidence is currently insufficient to determine the role of this variant in disease. Therefore, it has been classified as a Variant of Uncertain Significance.

NM_173354.5(SIK1):c.2320T>C (p.Cys774Arg)

Gene: SIK1 (salt inducible kinase 1; minus strand). Cytogenetic location: 21q22.3.
Variant type: single nucleotide variant.
Coding change: c.2320T>C on transcript NM_173354.5 (MANE Select); coding-DNA position 2320, T replaced by C.
Protein change: p.Cys774Arg; replaces cysteine 774 with arginine.
Molecular consequence: missense variant.
Genome position (GRCh38, 1-based): chr21:43,416,774, A>G on the plus strand (T>C on the coding strand, the complement: SIK1 is on the minus strand). VCF-style: chr21-43416774-A-G. GRCh37 (hg19) VCF-style: chr21-44836654-A-G.
Other names: short protein forms C774R.
Identifiers: ClinVar variation 1436393 (VCV001436393.8), dbSNP rs756377602, ClinGen allele CA410606218.